The following is an entry in ClinVar:

ClinVar aggregate classification (germline): Conflicting classifications of pathogenicity. Review status: criteria provided, conflicting classifications (1 of 4 stars). 3 submissions from 3 submitters: Likely pathogenic (1); Uncertain significance (2). Last evaluated 2025-06-19.

Conditions:
Congenital myotonia, autosomal dominant form (THD). Also called: THOMSEN DISEASE; Myotonia congenita autosomal dominant. Identifiers: Orphanet 614, MedGen C2936781, MONDO:0008055, OMIM 160800.
Congenital myotonia, autosomal recessive form. Also called: Becker Generalized Myotonia; myotonia congenita, autosomal recessive; BECKER DISEASE. Identifiers: Orphanet 614, MedGen C0751360, MONDO:0009715, OMIM 255700.

gnomAD v4.1: 4 of 1,614,126 alleles (0.00025%); highest among the groups gnomAD compares: African/African-American, 0.0053%; no homozygotes.

Submissions (3):

Institute of Human Genetics, University of Leipzig Medical Center
Classification: Likely pathogenic for Congenital myotonia, autosomal recessive form. Last evaluated: 2025-06-19. Review status: criteria provided, single submitter. Criteria: ACMG Guidelines, 2015. Collection method: clinical testing. Allele origin: unknown. Inheritance: Autosomal recessive inheritance. Affected: yes.
Comment: Criteria applied: PM2,PM3,PP3,PP4; Identified as compund heterozygous with NM_000083.3:c.2680C>T

GeneDx
Classification: Uncertain significance. Last evaluated: 2024-06-28. Review status: criteria provided, single submitter. Criteria: GeneDx Variant Classification Process June 2021. Collection method: clinical testing. Allele origin: germline. Affected: yes.
Comment: Not observed at significant frequency in large population cohorts (gnomAD); In silico analysis supports a deleterious effect on splicing; Has not been previously published as pathogenic or benign to our knowledge

Labcorp Genetics (formerly Invitae), Labcorp
Classification: Uncertain significance for Congenital myotonia, autosomal recessive form; Congenital myotonia, autosomal dominant form. Last evaluated: 2021-08-24. Review status: criteria provided, single submitter. Criteria: Invitae Variant Classification Sherloc (09022015). Collection method: clinical testing. Allele origin: germline.
Comment: This sequence change falls in intron 4 of the CLCN1 gene. It does not directly change the encoded amino acid sequence of the CLCN1 protein. This variant is present in population databases (rs201404573, ExAC 0.01%). This variant has not been reported in the literature in individuals affected with CLCN1-related conditions. Algorithms developed to predict the effect of sequence changes on RNA splicing suggest that this variant may disrupt the consensus splice site. In summary, the available evidence is currently insufficient to determine the role of this variant in disease. Therefore, it has been classified as a Variant of Uncertain Significance.

NM_000083.3(CLCN1):c.563-9C>A

Gene: CLCN1 (chloride voltage-gated channel 1; plus strand). Cytogenetic location: 7q34.
Variant type: single nucleotide variant.
Coding change: c.563-9C>A on transcript NM_000083.3 (MANE Select); 9 bases into the intron before coding-DNA position 563, C replaced by A.
Molecular consequence: intron variant.
Genome position (GRCh38, 1-based): chr7:143,321,706, C>A. VCF-style: chr7-143321706-C-A. GRCh37 (hg19) VCF-style: chr7-143018799-C-A.
Identifiers: ClinVar variation 1061734 (VCV001061734.8), dbSNP rs201404573, ClinGen allele CA4537000.